The following is an entry in ClinVar:

ClinVar aggregate classification (germline): Pathogenic (1 of 4 stars; one submission).

Conditions:
Cornelia de Lange syndrome 1 (CDLS1). Also called: Brachmann de Lange syndrome; NIPBL-Related Cornelia de Lange Syndrome; TYPUS DEGENERATIVUS AMSTELODAMENSIS. Identifiers: Orphanet 199, MedGen C4551851, MONDO:0007387, OMIM 122470.

Submission:

Labcorp Genetics (formerly Invitae), Labcorp
Classification: Pathogenic for Cornelia de Lange syndrome 1. Last evaluated: 2021-09-26. Review status: criteria provided, single submitter. Criteria: Invitae Variant Classification Sherloc (09022015). Collection method: clinical testing. Allele origin: germline.
Comment: For these reasons, this variant has been classified as Pathogenic. This variant has not been reported in the literature in individuals affected with NIPBL-related conditions. This variant is not present in population databases (ExAC no frequency). This sequence change creates a premature translational stop signal (p.Gln1014Argfs*30) in the NIPBL gene. It is expected to result in an absent or disrupted protein product. Loss-of-function variants in NIPBL are known to be pathogenic (PMID: 15318302, 19763162, 23505322, 29995837).

Literature cited by the submitters: PubMed 15318302; PubMed 19763162; PubMed 23505322; PubMed 29995837.

NM_133433.4(NIPBL):c.3040del (p.Gln1014fs)

Gene: NIPBL (NIPBL cohesin loading factor; plus strand). Cytogenetic location: 5p13.2.
Variant type: Deletion.
Coding change: c.3040del on transcript NM_133433.4 (MANE Select); coding-DNA position 3040, one base deleted (C; older notation c.3040delC).
Protein change: p.Gln1014fs; shifts the reading frame from glutamine 1014.
Molecular consequence: frameshift variant.
Genome position (GRCh38, 1-based): chr5:36,986,220, C deleted. VCF-style (leftmost placement, unchanged base first): chr5-36986219-TC-T. GRCh37 (hg19) VCF-style: chr5-36986321-TC-T.
Other names: c.3040del, p.Gln1014fs (NM_015384.5); short protein forms Q1014fs.
Identifiers: ClinVar variation 1382932 (VCV001382932.6), dbSNP rs2149646890, ClinGen allele CA2573139685.
Genomic context (GRCh38, chr5:36,986,219, plus strand): 5'-AGATCTAAATAAAGGAGCTAAGCCTGTAGTTGTGCTACAAAAACTGTCTTTGGATGATGT[TC>T]AGAAACTTATTAAAGATAGAGAGGACAAATCAAGAAGTTCCCTTAAACCTATCAAGAATA-3'